The following is an entry in ClinVar:

NM_006767.4(LZTR1):c.2070-12C>A

Gene: LZTR1 (leucine zipper like transcription regulator 1; plus strand). Cytogenetic location: 22q11.21.
Variant type: single nucleotide variant.
Coding change: c.2070-12C>A on transcript NM_006767.4 (MANE Select); 12 bases into the intron before coding-DNA position 2070, C replaced by A.
Molecular consequence: intron variant.
Genome position (GRCh38, 1-based): chr22:20,995,951, C>A. VCF-style: chr22-20995951-C-A. GRCh37 (hg19) VCF-style: chr22-21350240-C-A.
Identifiers: ClinVar variation 1029083 (VCV001029083.1), dbSNP rs779677120, ClinGen allele CA2396643082.

ClinVar aggregate classification (germline): Uncertain significance (1 of 4 stars; one submission).

Conditions:
Noonan syndrome 10 (NS10). Identifiers: Orphanet 648, MedGen C4225280, MONDO:0014693, OMIM 616564.

Submission:

Baylor Genetics
Classification: Uncertain significance for Noonan syndrome 10. Last evaluated: 2020-02-03. Review status: criteria provided, single submitter. Criteria: ACMG Guidelines, 2015. Collection method: clinical testing. Allele origin: unknown. Affected: yes.
Comment: This variant was determined to be of uncertain significance according to ACMG Guidelines, 2015 [PMID:25741868].